The following is an entry in ClinVar:

NM_001482.3(GATM):c.967C>G (p.Pro323Ala)

Gene: GATM (glycine amidinotransferase; minus strand). Cytogenetic location: 15q21.1.
Variant type: single nucleotide variant.
Coding change: c.967C>G on transcript NM_001482.3 (MANE Select); coding-DNA position 967, C replaced by G.
Protein change: p.Pro323Ala; replaces proline 323 with alanine.
Molecular consequence: missense variant.
Genome position (GRCh38, 1-based): chr15:45,366,057, G>C on the plus strand (C>G on the coding strand, the complement: GATM is on the minus strand). VCF-style: chr15-45366057-G-C. GRCh37 (hg19) VCF-style: chr15-45658255-G-C.
Other names: c.580C>G, p.Pro194Ala (NM_001321015.2); short protein forms P323A, P194A.
Identifiers: ClinVar variation 426393 (VCV000426393.7), dbSNP rs777371743, ClinGen allele CA7542826.

ClinVar aggregate classification (germline): Uncertain significance. Review status: criteria provided, multiple submitters, no conflicts (2 of 4 stars). 3 submissions from 3 submitters: Uncertain significance (3). Last evaluated 2022-01-04.

Conditions:
Inborn genetic diseases. Identifiers: MedGen C0950123, MeSH D030342.
Arginine:glycine amidinotransferase deficiency (CCDS3). Also called: Creatine deficiency syndrome due to AGAT deficiency; GATM deficiency; Cerebral creatine deficiency syndrome 3; L-Arginine:Glycine Amidinotransferase (AGAT) Deficiency; L-Arginine:Glycine Amidinotransferase Deficiency; AGAT deficiency. Identifiers: Orphanet 35704, MedGen C2675179, MONDO:0012996, OMIM 612718.

Allele frequency attached by ClinVar (database versions not stated): gnomAD exomes 0.00001; ExAC 0.00002.
gnomAD v4.1: 8 of 1,614,056 alleles (0.0005%); highest among the groups gnomAD compares: Non-Finnish European, 0.00068%; no homozygotes.

Submissions (3):

Ambry Genetics
Classification: Uncertain significance for Inborn genetic diseases. Last evaluated: 2022-01-04. Review status: criteria provided, single submitter. Criteria: Ambry Variant Classification Scheme 2023. Collection method: clinical testing. Allele origin: germline.

Labcorp Genetics (formerly Invitae), Labcorp
Classification: Uncertain significance for Arginine:glycine amidinotransferase deficiency. Last evaluated: 2021-08-30. Review status: criteria provided, single submitter. Criteria: Invitae Variant Classification Sherloc (09022015). Collection method: clinical testing. Allele origin: germline.
Comment: This sequence change replaces proline with alanine at codon 323 of the GATM protein (p.Pro323Ala). The proline residue is highly conserved and there is a small physicochemical difference between proline and alanine. This variant is present in population databases (rs777371743, ExAC 0.003%). This variant has not been reported in the literature in individuals affected with GATM-related conditions. ClinVar contains an entry for this variant (Variation ID: 426393). Algorithms developed to predict the effect of missense changes on protein structure and function are either unavailable or do not agree on the potential impact of this missense change (SIFT: "Deleterious"; PolyPhen-2: "Benign"; Align-GVGD: "Class C0"). In summary, the available evidence is currently insufficient to determine the role of this variant in disease. Therefore, it has been classified as a Variant of Uncertain Significance.

GeneDx
Classification: Uncertain significance. Last evaluated: 2017-04-18. Review status: criteria provided, single submitter. Criteria: GeneDx Variant Classification (06012015). Collection method: clinical testing. Allele origin: germline. Affected: yes.
Comment: The P323A variant has not been published as a pathogenic variant, nor has it been reported as a benign variant to our knowledge. The P323A variant is not observed at a significant frequency in large population cohorts (Lek et al., 2016; 1000 Genomes Consortium et al., 2015; Exome Variant Server). This variant is a semi-conservative amino acid substitution, which may impact secondary protein structure as these residues differ in some properties. This substitution occurs at a position that is conserved across species, and in silico analysis predicts this variant is probably damaging to the protein structure/function. However, missense variants in nearby residues have not been reported in the Human Gene Mutation Database in association with AGAT deficiency (Stenson et al., 2014).